The following is an entry in ClinVar:

ClinVar aggregate classification (germline): Uncertain significance (1 of 4 stars; one submission).

Submission:

Labcorp Genetics (formerly Invitae), Labcorp
Classification: Uncertain significance. Last evaluated: 2021-10-07. Review status: criteria provided, single submitter. Criteria: Invitae Variant Classification Sherloc (09022015). Collection method: clinical testing. Allele origin: germline.
Comment: In summary, the available evidence is currently insufficient to determine the role of this variant in disease. Therefore, it has been classified as a Variant of Uncertain Significance. This sequence change creates a premature translational stop signal (p.Pro238Hisfs*19) in the SEMA4A gene. It is expected to result in an absent or disrupted protein product. However, the current clinical and genetic evidence is not sufficient to establish whether loss-of-function variants in SEMA4A cause disease. This variant is not present in population databases (ExAC no frequency). This variant has not been reported in the literature in individuals affected with SEMA4A-related conditions.

NM_022367.4(SEMA4A):c.709_712dup (p.Pro238fs)

Gene: SEMA4A (semaphorin 4A; plus strand). Cytogenetic location: 1q22.
Variant type: Duplication.
Coding change: c.709_712dup on transcript NM_022367.4 (MANE Select); coding-DNA positions 709 to 712, 4 bases duplicated (ATCC; older notation c.709_712dupATCC).
Protein change: p.Pro238fs; shifts the reading frame from proline 238.
Molecular consequence: frameshift variant.
Genome position (GRCh38, 1-based): chr1:156,160,928-156,160,931, ATCC duplicated; duplicating any 4 consecutive bases within chr1:156,160,926-156,160,931 gives the same sequence; the c. name uses the placement nearest the transcript's 3' end. VCF-style (leftmost placement, unchanged base first): chr1-156160925-G-GCCAT. GRCh37 (hg19) VCF-style: chr1-156130716-G-GCCAT.
Other names: c.709_712dup, p.Pro238fs (NM_001193300.2, NM_001193301.2, NM_001370567.1); c.313_316dup, p.Pro106fs (NM_001193302.2); c.412_415dup, p.Pro139fs (NM_001370568.1); c.202_205dup, p.Pro69fs (NM_001370569.1, NM_001370571.1); short protein forms P238fs, P69fs, P106fs, P139fs.
Identifiers: ClinVar variation 1419522 (VCV001419522.6), dbSNP rs1346178647, ClinGen allele CA526670977.